The following is an entry in ClinVar:

ClinVar aggregate classification (germline): Uncertain significance (1 of 4 stars; one submission).

Conditions:
Alagille syndrome due to a JAG1 point mutation. Also called: JAG1-Related Alagille Syndrome; HEPATIC DUCTULAR HYPOPLASIA, SYNDROMATIC; Alagille Syndrome 1. Identifiers: Orphanet 261619, Orphanet 52, MedGen C1956125, MONDO:0016862, OMIM 118450.

Submission:

Labcorp Genetics (formerly Invitae), Labcorp
Classification: Uncertain significance for Alagille syndrome due to a JAG1 point mutation. Last evaluated: 2025-03-17. Review status: criteria provided, single submitter. Criteria: Invitae Variant Classification Sherloc (09022015). Collection method: clinical testing. Allele origin: germline.
Comment: This sequence change replaces methionine, which is neutral and non-polar, with isoleucine, which is neutral and non-polar, at codon 1214 of the JAG1 protein (p.Met1214Ile). This variant is not present in population databases (gnomAD no frequency). This variant has not been reported in the literature in individuals affected with JAG1-related conditions. Invitae Evidence Modeling of protein sequence and biophysical properties (such as structural, functional, and spatial information, amino acid conservation, physicochemical variation, residue mobility, and thermodynamic stability) indicates that this missense variant is not expected to disrupt JAG1 protein function with a negative predictive value of 95%. In summary, the available evidence is currently insufficient to determine the role of this variant in disease. Therefore, it has been classified as a Variant of Uncertain Significance.

NM_000214.3(JAG1):c.3642G>A (p.Met1214Ile)

Gene: JAG1 (jagged canonical Notch ligand 1; minus strand). Cytogenetic location: 20p12.2.
Variant type: single nucleotide variant.
Coding change: c.3642G>A on transcript NM_000214.3 (MANE Select); coding-DNA position 3642, G replaced by A.
Protein change: p.Met1214Ile; replaces methionine 1214 with isoleucine.
Molecular consequence: missense variant.
Genome position (GRCh38, 1-based): chr20:10,639,513, C>T on the plus strand (G>A on the coding strand, the complement: JAG1 is on the minus strand). VCF-style: chr20-10639513-C-T. GRCh37 (hg19) VCF-style: chr20-10620161-C-T.
Other names: short protein forms M1214I.
Identifiers: ClinVar variation 3668406 (VCV003668406.2).
Genomic context (GRCh38, chr20:10,639,513, plus strand): 5'-ACAAGCCCTCAGACTCTACCTAGCGGCGGCAGTGCCCGCGGTCTGCTATACGATGTACTC[C>T]ATTCGGTTTAAGCTCTGGGCACTTTCCAAGTCTCTGTTGTCCTGTTTGTTTGTCCAGTTT-3'
Protein context (NP_000205.1, residues 1204-1218): DLESAQSLNR[Met1214Ile]EYIV